The following is an entry in ClinVar:

NM_013352.4(DSE):c.216G>A (p.Thr72=)

Gene: DSE (dermatan sulfate epimerase; plus strand). Cytogenetic location: 6q22.1.
Variant type: single nucleotide variant.
Coding change: c.216G>A on transcript NM_013352.4 (MANE Select); coding-DNA position 216, G replaced by A.
Protein change: p.Thr72=; no amino-acid change (threonine 72 retained).
Molecular consequence: synonymous variant. On other transcripts: 5 prime UTR variant (4), non-coding transcript variant (1).
Genome position (GRCh38, 1-based): chr6:116,399,466, G>A. VCF-style: chr6-116399466-G-A. GRCh37 (hg19) VCF-style: chr6-116720629-G-A.
Other names: c.-685G>A (NM_001374520.1); c.-372G>A (NM_001374521.1); c.216G>A, p.Thr72= (NM_001374522.1, NM_001080976.3, NM_001322937.2 and 3 more transcripts); c.273G>A, p.Thr91= (NM_001322939.2); c.-342G>A (NM_001322940.2, NM_001322941.2).
Identifiers: ClinVar variation 668223 (VCV000668223.47), dbSNP rs61747210, ClinGen allele CA3969490.

ClinVar aggregate classification (germline): Benign/Likely benign. Review status: criteria provided, multiple submitters, no conflicts (2 of 4 stars). 7 submissions from 7 submitters: Benign (2); Likely benign (4). 1 of the submissions does not count toward it. Last evaluated 2025-12-23.

Conditions:
DSE-related disorder. Also called: DSE-related condition.
Ehlers-Danlos syndrome, musculocontractural type 2 (EDSMC2). Identifiers: Orphanet 2953, MedGen C3809845, MONDO:0014236, OMIM 615539.

Allele frequency attached by ClinVar (database versions not stated): gnomAD exomes 0.00013 and 0.00036; ExAC 0.00045; 1000 Genomes Project 0.00100; 1000 Genomes Project 30x 0.00125; gnomAD 0.00150 and 0.00164; TOPMed 0.00196; ESP Exome Variant Server 0.00238.
gnomAD v4.1: 429 of 1,614,208 alleles (0.027%); highest among the groups gnomAD compares: African/African-American, 0.48%; 4 homozygotes.

Submissions (7):

Labcorp Genetics (formerly Invitae), Labcorp
Classification: Benign for Ehlers-Danlos syndrome, musculocontractural type 2. Last evaluated: 2025-12-23. Review status: criteria provided, single submitter. Criteria: Invitae Variant Classification Sherloc (09022015). Collection method: clinical testing. Allele origin: germline.

Women's Health and Genetics/Laboratory Corporation of America, LabCorp
Classification: Likely benign. Last evaluated: 2025-02-18. Review status: criteria provided, single submitter. Criteria: LabCorp Variant Classification Summary - May 2015. Collection method: clinical testing. Allele origin: germline.

Blueprint Genetics
Classification: Likely benign. Last evaluated: 2024-06-27. Review status: criteria provided, single submitter. Criteria: ACMG Guidelines, 2015. Collection method: clinical testing. Allele origin: germline.

Fulgent Genetics
Classification: Benign for Ehlers-Danlos syndrome, musculocontractural type 2. Last evaluated: 2022-02-10. Review status: criteria provided, single submitter. Criteria: ACMG Guidelines, 2015. Collection method: clinical testing. Allele origin: unknown.

CeGaT Center for Human Genetics Tuebingen
Classification: Likely benign. Last evaluated: 2022-01-01. Review status: criteria provided, single submitter. Criteria: CeGaT Center For Human Genetics Tuebingen Variant Classification Criteria Version 2. Collection method: clinical testing. Allele origin: germline. Affected: yes. Observed: 1 variant allele.

GeneDx
Classification: Likely benign. Last evaluated: 2021-04-07. Review status: criteria provided, single submitter. Criteria: GeneDx Variant Classification Process June 2021. Collection method: clinical testing. Allele origin: germline. Affected: yes.

PreventionGenetics, part of Exact Sciences
Classification: Likely benign for DSE-related condition. Last evaluated: 2020-02-10. Review status: no assertion criteria provided. Collection method: clinical testing. Allele origin: germline. Not counted in ClinVar's aggregate classification.
Comment: This variant is classified as likely benign based on ACMG/AMP sequence variant interpretation guidelines (Richards et al. 2015 PMID: 25741868, with internal and published modifications).